The following is an entry in ClinVar:

NM_001040108.2(MLH3):c.825A>C (p.Glu275Asp)

Gene: MLH3 (mutL homolog 3; minus strand). Cytogenetic location: 14q24.3.
Variant type: single nucleotide variant.
Coding change: c.825A>C on transcript NM_001040108.2 (MANE Select); coding-DNA position 825, A replaced by C.
Protein change: p.Glu275Asp; replaces glutamic acid 275 with aspartic acid.
Molecular consequence: missense variant.
Genome position (GRCh38, 1-based): chr14:75,048,831, T>G on the plus strand (A>C on the coding strand, the complement: MLH3 is on the minus strand). VCF-style: chr14-75048831-T-G. GRCh37 (hg19) VCF-style: chr14-75515534-T-G.
Other names: c.825A>C, p.Glu275Asp (NM_014381.3); c.825A>C (NM_001040108.1); short protein forms E275D.
Identifiers: ClinVar variation 1008017 (VCV001008017.11), dbSNP rs1040135404, ClinGen allele CA263653422.

ClinVar aggregate classification (germline): Uncertain significance. Review status: criteria provided, multiple submitters, no conflicts (2 of 4 stars). 2 submissions from 2 submitters: Uncertain significance (2). Last evaluated 2023-09-10.

Conditions:
Colorectal cancer, hereditary nonpolyposis, type 7. Identifiers: Orphanet 144, MedGen C1858380, MONDO:0013725, OMIM 614385.

Allele frequency attached by ClinVar (database versions not stated): TOPMed 0.00001.
gnomAD v4.1: 2 of 1,614,040 alleles (0.00012%); highest among the groups gnomAD compares: African/African-American, 0.0027%; no homozygotes.

Submissions (2):

Ambry Genetics
Classification: Uncertain significance. Last evaluated: 2023-09-10. Review status: criteria provided, single submitter. Criteria: Ambry Variant Classification Scheme 2023. Collection method: clinical testing. Allele origin: germline.
Comment: The p.E275D variant (also known as c.825A>C), located in coding exon 1 of the MLH3 gene, results from an A to C substitution at nucleotide position 825. The glutamic acid at codon 275 is replaced by aspartic acid, an amino acid with highly similar properties. This amino acid position is conserved. In addition, this alteration is predicted to be tolerated by in silico analysis. Since supporting evidence is limited at this time, the clinical significance of this alteration remains unclear.

Labcorp Genetics (formerly Invitae), Labcorp
Classification: Uncertain significance for Colorectal cancer, hereditary nonpolyposis, type 7. Last evaluated: 2020-03-12. Review status: criteria provided, single submitter. Criteria: Invitae Variant Classification Sherloc (09022015). Collection method: clinical testing. Allele origin: germline.
Comment: This sequence change replaces glutamic acid with aspartic acid at codon 275 of the MLH3 protein (p.Glu275Asp). The glutamic acid residue is moderately conserved and there is a small physicochemical difference between glutamic acid and aspartic acid. This variant is not present in population databases (ExAC no frequency). This variant has not been reported in the literature in individuals with MLH3-related conditions. Algorithms developed to predict the effect of missense changes on protein structure and function (SIFT, PolyPhen-2, Align-GVGD) all suggest that this variant is likely to be tolerated, but these predictions have not been confirmed by published functional studies and their clinical significance is uncertain. In summary, the available evidence is currently insufficient to determine the role of this variant in disease. Therefore, it has been classified as a Variant of Uncertain Significance.